The following is an entry in ClinVar:

ClinVar aggregate classification (germline): Uncertain significance. Review status: criteria provided, multiple submitters, no conflicts (2 of 4 stars). 3 submissions from 3 submitters: Uncertain significance (3). Last evaluated 2024-07-04.

Conditions:
Hereditary cancer-predisposing syndrome. Also called: Tumor predisposition; Hereditary neoplastic syndrome; Neoplastic Syndromes, Hereditary; Hereditary Cancer Syndrome. Identifiers: Orphanet 140162, MedGen C0027672, MeSH D009386, MONDO:0015356.
Familial cancer of breast. Also called: BREAST CANCER, FAMILIAL; Hereditary breast cancer; hereditary breast carcinoma. Identifiers: Orphanet 227535, MedGen C0346153, MONDO:0016419, OMIM 114480. Disease mechanism: loss of function.
Ataxia-telangiectasia syndrome (AT). Also called: ATAXIA-TELANGIECTASIA, COMPLEMENTATION GROUP A; ATAXIA-TELANGIECTASIA, FRESNO VARIANT; Ataxia-telangiectasia; LOUIS-BAR SYNDROME; Cerebello-oculocutaneous telangiectasia; Immunodeficiency with ataxia telangiectasia. Identifiers: Orphanet 100, MedGen C0004135, MONDO:0008840, OMIM 208900.

Submissions (3):

Ambry Genetics
Classification: Uncertain significance for Hereditary cancer-predisposing syndrome. Last evaluated: 2024-07-04. Review status: criteria provided, single submitter. Criteria: Ambry Variant Classification Scheme 2023. Collection method: clinical testing. Allele origin: germline.
Comment: The p.K525N variant (also known as c.1575G>C), located in coding exon 9 of the ATM gene, results from a G to C substitution at nucleotide position 1575. The lysine at codon 525 is replaced by asparagine, an amino acid with similar properties. This amino acid position is well conserved in available vertebrate species. In addition, this alteration is predicted to be tolerated by in silico analysis. Since supporting evidence is limited at this time, the clinical significance of this alteration remains unclear.

Baylor Genetics
Classification: Uncertain significance for Familial cancer of breast. Last evaluated: 2024-02-19. Review status: criteria provided, single submitter. Criteria: ACMG Guidelines, 2015. Collection method: clinical testing. Allele origin: unknown.

Labcorp Genetics (formerly Invitae), Labcorp
Classification: Uncertain significance for Ataxia-telangiectasia syndrome. Last evaluated: 2022-01-27. Review status: criteria provided, single submitter. Criteria: Invitae Variant Classification Sherloc (09022015). Collection method: clinical testing. Allele origin: germline.
Comment: This sequence change replaces lysine, which is basic and polar, with asparagine, which is neutral and polar, at codon 525 of the ATM protein (p.Lys525Asn). This variant is not present in population databases (gnomAD no frequency). This variant has not been reported in the literature in individuals affected with ATM-related conditions. ClinVar contains an entry for this variant (Variation ID: 135734). Advanced modeling of protein sequence and biophysical properties (such as structural, functional, and spatial information, amino acid conservation, physicochemical variation, residue mobility, and thermodynamic stability) performed at Invitae indicates that this missense variant is not expected to disrupt ATM protein function. In summary, the available evidence is currently insufficient to determine the role of this variant in disease. Therefore, it has been classified as a Variant of Uncertain Significance.

NM_000051.4(ATM):c.1575G>C (p.Lys525Asn)

Gene: ATM (ATM serine/threonine kinase; plus strand). Cytogenetic location: 11q22.3.
Variant type: single nucleotide variant.
Coding change: c.1575G>C on transcript NM_000051.4 (MANE Select); coding-DNA position 1575, G replaced by C.
Protein change: p.Lys525Asn; replaces lysine 525 with asparagine.
Molecular consequence: missense variant.
Genome position (GRCh38, 1-based): chr11:108,251,040, G>C. VCF-style: chr11-108251040-G-C. GRCh37 (hg19) VCF-style: chr11-108121767-G-C.
Other names: c.1575G>C, p.Lys525Asn (NM_001351834.2); short protein forms K525N.
Identifiers: ClinVar variation 135734 (VCV000135734.12), dbSNP rs587780613, ClinGen allele CA332315.